The following is an entry in ClinVar:

ClinVar aggregate classification (germline): Uncertain significance (1 of 4 stars; one submission).

Conditions:
Neuronal ceroid lipofuscinosis 1 (CLN1). Also called: PPT1-Related Neuronal Ceroid-Lipofuscinosis; CEROID LIPOFUSCINOSIS, NEURONAL, 1, VARIABLE AGE AT ONSET. Identifiers: Orphanet 228329, MedGen C1850451, MONDO:0009744, OMIM 256730.

Allele frequency attached by ClinVar (database versions not stated): gnomAD exomes 0.00001.
gnomAD v4.1: 11 of 1,614,190 alleles (0.00068%); highest among the groups gnomAD compares: Non-Finnish European, 0.00093%; no homozygotes.

Submission:

Labcorp Genetics (formerly Invitae), Labcorp
Classification: Uncertain significance for Neuronal ceroid lipofuscinosis 1. Last evaluated: 2021-09-01. Review status: criteria provided, single submitter. Criteria: Invitae Variant Classification Sherloc (09022015). Collection method: clinical testing. Allele origin: germline.
Comment: This sequence change replaces valine with glycine at codon 80 of the PPT1 protein (p.Val80Gly). The valine residue is weakly conserved and there is a moderate physicochemical difference between valine and glycine. This variant is not present in population databases (ExAC no frequency). This variant has not been reported in the literature in individuals affected with PPT1-related conditions. Algorithms developed to predict the effect of missense changes on protein structure and function are either unavailable or do not agree on the potential impact of this missense change (SIFT: "Deleterious"; PolyPhen-2: "Possibly Damaging"; Align-GVGD: "Class C0"). In summary, the available evidence is currently insufficient to determine the role of this variant in disease. Therefore, it has been classified as a Variant of Uncertain Significance.

NM_000310.4(PPT1):c.239T>G (p.Val80Gly)

Gene: PPT1 (palmitoyl-protein thioesterase 1; minus strand). Cytogenetic location: 1p34.2.
Variant type: single nucleotide variant.
Coding change: c.239T>G on transcript NM_000310.4 (MANE Select); coding-DNA position 239, T replaced by G.
Protein change: p.Val80Gly; replaces valine 80 with glycine.
Molecular consequence: missense variant. On other transcripts: intron variant (1).
Genome position (GRCh38, 1-based): chr1:40,092,168, A>C on the plus strand (T>G on the coding strand, the complement: PPT1 is on the minus strand). VCF-style: chr1-40092168-A-C. GRCh37 (hg19) VCF-style: chr1-40557840-A-C.
Other names: c.239T>G, p.Val80Gly (NM_001363695.2); c.125-2656T>G (NM_001142604.2); short protein forms V80G.
Identifiers: ClinVar variation 653189 (VCV000653189.6), dbSNP rs762619451, ClinGen allele CA21016648.